The following is an entry in ClinVar:

ClinVar aggregate classification (germline): Uncertain significance (1 of 4 stars; one submission).

Conditions:
Ataxia-telangiectasia syndrome (AT). Also called: Ataxia-telangiectasia, complementation group D; AT, COMPLEMENTATION GROUP C; Ataxia-telangiectasia; Ataxia telangiectasia (A-T); Cerebello-oculocutaneous telangiectasia; Immunodeficiency with ataxia telangiectasia. Identifiers: Orphanet 100, MedGen C0004135, MONDO:0008840, OMIM 208900.

Submission:

Labcorp Genetics (formerly Invitae), Labcorp
Classification: Uncertain significance for Ataxia-telangiectasia syndrome. Last evaluated: 2024-02-25. Review status: criteria provided, single submitter. Criteria: Invitae Variant Classification Sherloc (09022015). Collection method: clinical testing. Allele origin: germline.
Comment: This sequence change replaces leucine, which is neutral and non-polar, with tryptophan, which is neutral and slightly polar, at codon 1328 of the ATM protein (p.Leu1328Trp). This variant is not present in population databases (gnomAD no frequency). This variant has not been reported in the literature in individuals affected with ATM-related conditions. An algorithm developed to predict the effect of missense changes on protein structure and function (PolyPhen-2) suggests that this variant is likely to be disruptive. In summary, the available evidence is currently insufficient to determine the role of this variant in disease. Therefore, it has been classified as a Variant of Uncertain Significance.

NM_000051.4(ATM):c.3983T>G (p.Leu1328Trp)

Gene: ATM (ATM serine/threonine kinase; plus strand). Cytogenetic location: 11q22.3.
Variant type: single nucleotide variant.
Coding change: c.3983T>G on transcript NM_000051.4 (MANE Select); coding-DNA position 3983, T replaced by G.
Protein change: p.Leu1328Trp; replaces leucine 1328 with tryptophan.
Molecular consequence: missense variant.
Genome position (GRCh38, 1-based): chr11:108,284,463, T>G. VCF-style: chr11-108284463-T-G. GRCh37 (hg19) VCF-style: chr11-108155190-T-G.
Other names: c.3983T>G, p.Leu1328Trp (NM_001351834.2); short protein forms L1328W.
Identifiers: ClinVar variation 3612200 (VCV003612200.2).
Genomic context (GRCh38, chr11:108,284,463, plus strand): 5'-TGGCACAGCAAAGAGAGACTGCTACCAAGGTCTATGATATGCTTAAAAGTGAAAACTTAT[T>G]GGGAAAACAGGTATGGCTTCAATTTTTATGTACTTTTCATTCCCTGAATGATATGAGATA-3'
Protein context (NP_000042.3, residues 1318-1338): VYDMLKSENL[Leu1328Trp]GKQIDHLFIS